The following is an entry in ClinVar:

ClinVar aggregate classification (germline): Benign. Review status: criteria provided, multiple submitters, no conflicts (2 of 4 stars). 3 submissions from 3 submitters: Benign (2). 1 of the submissions does not count toward it. Last evaluated 2026-01-26.

Allele frequency attached by ClinVar (database versions not stated): gnomAD 0.00334; TOPMed 0.00521; 1000 Genomes Project 30x 0.01421; 1000 Genomes Project 0.01518; ESP Exome Variant Server 0.00023.
gnomAD v4.1: 3,863 of 1,610,738 alleles (0.24%); highest among the groups gnomAD compares: East Asian, 5.7%; 91 homozygotes.

Submissions (3):

Labcorp Genetics (formerly Invitae), Labcorp
Classification: Benign. Last evaluated: 2026-01-26. Review status: criteria provided, single submitter. Criteria: Invitae Variant Classification Sherloc (09022015). Collection method: clinical testing. Allele origin: germline.

GeneDx
Classification: Benign. Last evaluated: 2016-05-23. Review status: criteria provided, single submitter. Criteria: GeneDx Variant Classification (06012015). Collection method: clinical testing. Allele origin: germline. Affected: yes.
Comment: This variant is considered likely benign or benign based on one or more of the following criteria: it is a conservative change, it occurs at a poorly conserved position in the protein, it is predicted to be benign by multiple in silico algorithms, and/or has population frequency not consistent with disease.

Mayo Clinic Laboratories, Mayo Clinic
Classification: Benign. Last evaluated: 2017-06-14. Review status: no assertion criteria provided. Collection method: clinical testing. Allele origin: unknown. Not counted in ClinVar's aggregate classification.

NM_007208.4(MRPL3):c.102C>T (p.Ile34=)

Gene: MRPL3 (mitochondrial ribosomal protein L3; minus strand). Cytogenetic location: 3q22.1.
Variant type: single nucleotide variant.
Coding change: c.102C>T on transcript NM_007208.4 (MANE Select); coding-DNA position 102, C replaced by T.
Protein change: p.Ile34=; no amino-acid change (isoleucine 34 retained).
Molecular consequence: synonymous variant.
Genome position (GRCh38, 1-based): chr3:131,501,706, G>A on the plus strand (C>T on the coding strand, the complement: MRPL3 is on the minus strand). VCF-style: chr3-131501706-G-A. GRCh37 (hg19) VCF-style: chr3-131220550-G-A.
Identifiers: ClinVar variation 384709 (VCV000384709.16), dbSNP rs79534309, ClinGen allele CA2617227.
Genomic context (GRCh38, chr3:131,501,706, plus strand): 5'-AGAAAGATGCTCATCCCACCATGTACCACTCTTTCCATGAAGACCTCTAACAAAAAGCCA[G>A]ATGTGTGTTCTATAAAAAGAAAAAATAAATAAAACCAAACCACAATTTAAAAACTTCCTC-3'
Protein context (NP_009139.1, residues 24-44): AALGPGNRTH[Ile34=]WLFVRGLHGK